The following is an entry in ClinVar:

ClinVar aggregate classification (germline): Uncertain significance (1 of 4 stars; one submission).

Submission:

Labcorp Genetics (formerly Invitae), Labcorp
Classification: Uncertain significance. Last evaluated: 2022-11-22. Review status: criteria provided, single submitter. Criteria: Invitae Variant Classification Sherloc (09022015). Collection method: clinical testing. Allele origin: germline.
Comment: Algorithms developed to predict the effect of missense changes on protein structure and function (SIFT, PolyPhen-2, Align-GVGD) all suggest that this variant is likely to be disruptive. In summary, the available evidence is currently insufficient to determine the role of this variant in disease. Therefore, it has been classified as a Variant of Uncertain Significance. This variant is not present in population databases (gnomAD no frequency). This sequence change replaces tyrosine, which is neutral and polar, with serine, which is neutral and polar, at codon 1575 of the POLE protein (p.Tyr1575Ser). This variant has not been reported in the literature in individuals affected with POLE-related conditions. ClinVar contains an entry for this variant (Variation ID: 1440860).

NM_006231.4(POLE):c.4724A>C (p.Tyr1575Ser)

Gene: POLE (DNA polymerase epsilon, catalytic subunit; minus strand). Cytogenetic location: 12q24.33.
Variant type: single nucleotide variant.
Coding change: c.4724A>C on transcript NM_006231.4 (MANE Select); coding-DNA position 4724, A replaced by C.
Protein change: p.Tyr1575Ser; replaces tyrosine 1575 with serine.
Molecular consequence: missense variant.
Genome position (GRCh38, 1-based): chr12:132,642,824, T>G on the plus strand (A>C on the coding strand, the complement: POLE is on the minus strand). VCF-style: chr12-132642824-T-G. GRCh37 (hg19) VCF-style: chr12-133219410-T-G.
Other names: short protein forms Y1575S.
Identifiers: ClinVar variation 1440860 (VCV001440860.8), dbSNP rs1008362127, ClinGen allele CA387378618.